The following is an entry in ClinVar:

NM_000019.4(ACAT1):c.1163+1G>A

Gene: ACAT1 (acetyl-CoA acetyltransferase 1; plus strand). Cytogenetic location: 11q22.3.
Variant type: single nucleotide variant.
Coding change: c.1163+1G>A on transcript NM_000019.4 (MANE Select); the canonical splice donor site of the intron after coding-DNA position 1163, G replaced by A.
Molecular consequence: splice donor variant.
Genome position (GRCh38, 1-based): chr11:108,146,360, G>A. VCF-style: chr11-108146360-G-A. GRCh37 (hg19) VCF-style: chr11-108017087-G-A.
Other names: c.893+1G>A (NM_001386682.1, NM_001386681.1, NM_001386685.1 and 6 more transcripts); c.1163+1G>A (NM_001386677.1); c.866+1G>A (NM_001386679.1); c.848+1G>A (NM_001386678.1).
Identifiers: ClinVar variation 1072442 (VCV001072442.13), dbSNP rs1423476705, ClinGen allele CA382508679.

ClinVar aggregate classification (germline): Pathogenic (1 of 4 stars; one submission).

Conditions:
Deficiency of acetyl-CoA acetyltransferase. Also called: 3-KETOTHIOLASE DEFICIENCY; 3-OXOTHIOLASE DEFICIENCY; MITOCHONDRIAL ACETOACETYL-CoA THIOLASE DEFICIENCY; Beta-ketothiolase deficiency. Identifiers: Orphanet 134, MedGen C1536500, MONDO:0008760, OMIM 203750. Disease mechanism: loss of function.

Allele frequency attached by ClinVar (database versions not stated): gnomAD exomes below 0.00001 and 0.00001; gnomAD 0.00001; TOPMed 0.00001.
gnomAD v4.1: 9 of 1,613,636 alleles (0.00056%); highest among the groups gnomAD compares: Non-Finnish European, 0.00076%; no homozygotes.

Submission:

Labcorp Genetics (formerly Invitae), Labcorp
Classification: Pathogenic for Deficiency of acetyl-CoA acetyltransferase. Last evaluated: 2026-01-22. Review status: criteria provided, single submitter. Criteria: Invitae Variant Classification Sherloc (09022015). Collection method: clinical testing. Allele origin: germline.
Comment: This sequence change affects a donor splice site in intron 11 of the ACAT1 gene. While this variant is not anticipated to result in nonsense mediated decay, it likely alters RNA splicing and results in a disrupted protein product. This variant is present in population databases (no rsID available, gnomAD 0.002%). Disruption of this splice site has been observed in individual(s) with beta-ketothiolase deficiency (internal data). In at least one individual the data is consistent with being in trans (on the opposite chromosome) from a pathogenic variant. ClinVar contains an entry for this variant (Variation ID: 1072442). Variants that disrupt the consensus splice site are a relatively common cause of aberrant splicing (PMID: 17576681, 9536098). Algorithms developed to predict the effect of sequence changes on RNA splicing suggest that this variant may disrupt the consensus splice site. This variant disrupts a region of the ACAT1 protein in which other variant(s) (p.Gly418Asp) have been observed in individuals with ACAT1-related conditions (PMID: 28689740). This suggests that this is a clinically significant region of the protein, and that variants that disrupt it are likely to be disease-causing. For these reasons, this variant has been classified as Pathogenic.

Literature cited by the submitters: PubMed 17576681; PubMed 9536098; PubMed 28689740.